The following is an entry in ClinVar:

ClinVar aggregate classification (germline): Likely benign. Review status: criteria provided, single submitter (1 of 4 stars). 2 submissions from 2 submitters: Likely benign (1). 1 of the submissions does not count toward it. Last evaluated 2022-04-19.

Conditions:
PALLD-related disorder. Also called: PALLD-related condition.

gnomAD v4.1: 2 of 1,613,952 alleles (0.00012%); highest among the groups gnomAD compares: East Asian, 0.0045%; no homozygotes.

Submissions (2):

Ambry Genetics
Classification: Likely benign. Last evaluated: 2022-04-19. Review status: criteria provided, single submitter. Criteria: Ambry Variant Classification Scheme 2023. Collection method: clinical testing. Allele origin: germline.

PreventionGenetics, part of Exact Sciences
Classification: Likely benign for PALLD-related condition. Last evaluated: 2020-05-11. Review status: no assertion criteria provided. Collection method: clinical testing. Allele origin: germline. Not counted in ClinVar's aggregate classification.
Comment: This variant is classified as likely benign based on ACMG/AMP sequence variant interpretation guidelines (Richards et al. 2015 PMID: 25741868, with internal and published modifications).

NM_001166108.2(PALLD):c.1719C>G (p.Ser573=)

Gene: PALLD (palladin, cytoskeletal associated protein; plus strand). Cytogenetic location: 4q32.3.
Variant type: single nucleotide variant.
Coding change: c.1719C>G on transcript NM_001166108.2 (MANE Select); coding-DNA position 1719, C replaced by G.
Protein change: p.Ser573=; no amino-acid change (serine 573 retained).
Molecular consequence: synonymous variant.
Genome position (GRCh38, 1-based): chr4:168,711,678, C>G. VCF-style: chr4-168711678-C-G. GRCh37 (hg19) VCF-style: chr4-169632829-C-G.
Other names: c.573C>G, p.Ser191= (NM_001166109.2); c.1719C>G, p.Ser573= (NM_016081.4).
Identifiers: ClinVar variation 1778681 (VCV001778681.4), dbSNP rs775218291, ClinGen allele CA442114160.
Genomic context (GRCh38, chr4:168,711,678, plus strand): 5'-ATCCAACAATGACCACTTCCAACACTTTCCACCTCCCCCTCCAATCTTGGAGACAAGTTC[C>G]TTGGAGTTGGCTTCAAAGAAACCATCTGAGATCCAGCAGGTGAACAACCCTGAGTTAGGC-3'
Protein context (NP_001159580.1, residues 563-583): PPPPPILETS[Ser573=]LELASKKPSE